The following is an entry in ClinVar:

NM_000141.5(FGFR2):c.834C>G (p.Cys278Trp)

Gene: FGFR2 (fibroblast growth factor receptor 2; minus strand). Cytogenetic location: 10q26.13.
Variant type: single nucleotide variant.
Coding change: c.834C>G on transcript NM_000141.5 (MANE Select); coding-DNA position 834, C replaced by G.
Protein change: p.Cys278Trp; replaces cysteine 278 with tryptophan.
Molecular consequence: missense variant. On other transcripts: non-coding transcript variant (1), intron variant (1).
Genome position (GRCh38, 1-based): chr10:121,520,084, G>C on the plus strand (C>G on the coding strand, the complement: FGFR2 is on the minus strand). VCF-style: chr10-121520084-G-C. GRCh37 (hg19) VCF-style: chr10-123279598-G-C.
Other names: c.834C>G, p.Cys278Trp (NM_001320658.2, NM_022970.4, NM_001144913.1 and 1 more transcripts); c.567C>G, p.Cys189Trp (NM_023029.3, NM_001144915.2, NM_001144919.2); c.749-4765C>G (NM_001144914.1); c.489C>G, p.Cys163Trp (NM_001144916.2, NM_001144918.2); c.150C>G, p.Cys50Trp (NM_001320654.2); short protein forms C278W, C163W, C189W, C50W.
Identifiers: ClinVar variation 544302 (VCV000544302.11), dbSNP rs1554930790, ClinGen allele CA378330887.

ClinVar aggregate classification (germline): Pathogenic (1 of 4 stars; one submission).

Conditions:
FGFR2-related craniosynostosis. Identifiers: MedGen CN231480.

Submission:

Labcorp Genetics (formerly Invitae), Labcorp
Classification: Pathogenic for FGFR2-related craniosynostosis. Last evaluated: 2023-08-04. Review status: criteria provided, single submitter. Criteria: Invitae Variant Classification Sherloc (09022015). Collection method: clinical testing. Allele origin: germline.
Comment: For these reasons, this variant has been classified as Pathogenic. This variant disrupts the p.Cys278 amino acid residue in FGFR2. Other variant(s) that disrupt this residue have been determined to be pathogenic (PMID: 7655462, 10874645, 11173845, 21189955, 24127277, 27228464). This suggests that this residue is clinically significant, and that variants that disrupt this residue are likely to be disease-causing. Advanced modeling of protein sequence and biophysical properties (such as structural, functional, and spatial information, amino acid conservation, physicochemical variation, residue mobility, and thermodynamic stability) performed at Invitae indicates that this missense variant is expected to disrupt FGFR2 protein function. ClinVar contains an entry for this variant (Variation ID: 544302). This missense change has been observed in individuals with clinical features of FGFR2-related craniosynostosis syndromes (Invitae). This variant is not present in population databases (gnomAD no frequency). This sequence change replaces cysteine, which is neutral and slightly polar, with tryptophan, which is neutral and slightly polar, at codon 278 of the FGFR2 protein (p.Cys278Trp).

Literature cited by the submitters: PubMed 7655462; PubMed 10874645; PubMed 11173845; PubMed 21189955; PubMed 24127277; PubMed 27228464.